The following is an entry in ClinVar:

ClinVar aggregate classification (germline): Uncertain significance (1 of 4 stars; one submission).

Conditions:
Inborn genetic diseases. Identifiers: MedGen C0950123, MeSH D030342.

Allele frequency attached by ClinVar (database versions not stated): ExAC 0.00001; gnomAD 0.00001; TOPMed 0.00001; gnomAD exomes 0.00002.
gnomAD v4.1: 29 of 1,612,424 alleles (0.0018%); highest among the groups gnomAD compares: Non-Finnish European, 0.0024%; no homozygotes.

Submission:

Ambry Genetics
Classification: Uncertain significance for Inborn genetic diseases. Last evaluated: 2021-08-10. Review status: criteria provided, single submitter. Criteria: Ambry Variant Classification Scheme 2023. Collection method: clinical testing. Allele origin: germline.
Comment: The p.G4V variant (also known as c.11G>T), located in coding exon 1 of the WNK1 gene, results from a G to T substitution at nucleotide position 11. The glycine at codon 4 is replaced by valine, an amino acid with dissimilar properties. This amino acid position is well conserved in available vertebrate species. In addition, the in silico prediction for this alteration is inconclusive. Since supporting evidence is limited at this time, the clinical significance of this alteration remains unclear.

NM_018979.4(WNK1):c.11G>T (p.Gly4Val)

Gene: WNK1 (WNK lysine deficient protein kinase 1; plus strand). Cytogenetic location: 12p13.33.
Variant type: single nucleotide variant.
Coding change: c.11G>T on transcript NM_018979.4 (MANE Select); coding-DNA position 11, G replaced by T.
Protein change: p.Gly4Val; replaces glycine 4 with valine.
Molecular consequence: missense variant.
Genome position (GRCh38, 1-based): chr12:753,576, G>T. VCF-style: chr12-753576-G-T. GRCh37 (hg19) VCF-style: chr12-862742-G-T.
Other names: c.11G>T, p.Gly4Val (NM_001184985.2, NM_014823.3, NM_213655.5); short protein forms G4V.
Identifiers: ClinVar variation 1747157 (VCV001747157.2), dbSNP rs746437666, ClinGen allele CA6381700.
Genomic context (GRCh38, chr12:753,576, plus strand): 5'-CTTTTCGTTCACGAATCCGAGCCCGCTCGCCTCTCTCCAGCGAACCGACCATGTCTGGCG[G>T]CGCCGCAGAGAAGCAGAGCAGCACTCCCGGTTCCCTGTTCCTCTCGCCGCCGGCTCCTGC-3'
Protein context (NP_061852.3, residues 1-14): MSG[Gly4Val]AAEKQSSTPG